The following is an entry in ClinVar:

ClinVar aggregate classification (germline): Uncertain significance. Review status: criteria provided, multiple submitters, no conflicts (2 of 4 stars). 2 submissions from 2 submitters: Uncertain significance (2). Last evaluated 2021-08-23.

Conditions:
Cardiovascular phenotype. Identifiers: MedGen CN230736.
Autosomal recessive limb-girdle muscular dystrophy type 2J (LGMDR10). Also called: MUSCULAR DYSTROPHY, LIMB-GIRDLE, AUTOSOMAL RECESSIVE 10; Limb-girdle muscular dystrophy, type 2J. Identifiers: Orphanet 140922, MedGen C1837342, MONDO:0012127, OMIM 608807.
Hypertrophic cardiomyopathy 9. Also called: Familial hypertrophic cardiomyopathy 9. Identifiers: MedGen C1861065, MONDO:0013412, OMIM 613765.
Tibial muscular dystrophy (TMD). Also called: Udd Distal Myopathy – Tibial Muscular Dystrophy; Tibial muscular dystrophy, tardive; UDD MYOPATHY. Identifiers: Orphanet 609, MedGen C1838244, MONDO:0010870, OMIM 600334.
Dilated cardiomyopathy 1G (CMD1G). Identifiers: Orphanet 154, MedGen C1858763, MONDO:0011400, OMIM 604145.
Early-onset myopathy with fatal cardiomyopathy (CMYO5). Also called: Salih Myopathy; CONGENITAL MYOPATHY 5 WITH CARDIOMYOPATHY. Identifiers: Orphanet 289377, MedGen C2673677, MONDO:0012714, OMIM 611705. Disease mechanism: loss of function.
Myopathy, myofibrillar, 9, with early respiratory failure (MFM9). Also called: MYOPATHY, PROXIMAL, WITH EARLY RESPIRATORY MUSCLE INVOLVEMENT; Myopathy, distal, with early respiratory failure, autosomal dominant; Hereditary myopathy with early respiratory failure; EDSTROM MYOPATHY. Identifiers: Orphanet 178464, Orphanet 34521, MedGen C1863599, MONDO:0011362, OMIM 603689.

Allele frequency attached by ClinVar (database versions not stated): gnomAD exomes 0.00001 and 0.00005; ExAC 0.00005; ESP Exome Variant Server 0.00008; gnomAD 0.00011 and 0.00012; TOPMed 0.00012.
gnomAD v4.1: 33 of 1,613,270 alleles (0.002%); highest among the groups gnomAD compares: African/African-American, 0.032%; no homozygotes.

Submissions (2):

Fulgent Genetics
Classification: Uncertain significance for Tibial muscular dystrophy; Myopathy, myofibrillar, 9, with early respiratory failure; Dilated cardiomyopathy 1G; Autosomal recessive limb-girdle muscular dystrophy type 2J; Early-onset myopathy with fatal cardiomyopathy; Hypertrophic cardiomyopathy 9. Last evaluated: 2021-08-23. Review status: criteria provided, single submitter. Criteria: ACMG Guidelines, 2015. Collection method: clinical testing. Allele origin: unknown.

Ambry Genetics
Classification: Uncertain significance for Cardiovascular phenotype. Last evaluated: 2016-02-01. Review status: criteria provided, single submitter. Criteria: Ambry Variant Classification Scheme 2023. Collection method: clinical testing. Allele origin: germline.
Comment: The p.W14906R variant (also known as c.44716T>C), located in coding exon 153 of the TTN gene, results from a T to C substitution at nucleotide position 44716. The tryptophan at codon 14906 is replaced by arginine, an amino acid with dissimilar properties. This variant was previously reported in the SNPDatabase as rs373717147. Based on data from the NHLBI Exome Sequencing Project (ESP), the C allele has an overall frequency of approximately 0.01% (1/12022) total alleles studied, having been observed in 0.03% (1/3790) African American alleles. Based on data from ExAC, the C allele has an overall frequency of approximately 0.005% (6/120250). The highest observed frequency was 0.05% (5/9796) of African alleles (Exome Aggregation Consortium (ExAC), Cambridge, MA (URL) [Accessed January 29, 2016]). This amino acid position is highly conserved in available vertebrate species. In addition, the in silico prediction for this alteration is inconclusive. Since supporting evidence is limited at this time, the clinical significance of this variant remains unclear.

NM_001267550.2(TTN):c.71911T>C (p.Trp23971Arg)

Genes: TTN (titin; minus strand), TTN-AS1 (TTN antisense RNA 1; plus strand). Cytogenetic location: 2q31.2.
Variant type: single nucleotide variant.
Coding change: c.71911T>C on transcript NM_001267550.2 (MANE Select); coding-DNA position 71911, T replaced by C.
Protein change: p.Trp23971Arg; replaces tryptophan 23971 with arginine.
Molecular consequence: missense variant.
Genome position (GRCh38, 1-based): chr2:178,574,221, A>G on the plus strand (T>C on the coding strand, the complement: TTN is on the minus strand). VCF-style: chr2-178574221-A-G. GRCh37 (hg19) VCF-style: chr2-179438948-A-G.
Other names: c.66988T>C, p.Trp22330Arg (NM_001256850.1); c.44716T>C, p.Trp14906Arg (NM_003319.4); c.64207T>C, p.Trp21403Arg (NM_133378.4); c.45091T>C, p.Trp15031Arg (NM_133432.3); c.45292T>C, p.Trp15098Arg (NM_133437.4); short protein forms W14906R, W23971R, W15031R, W15098R, W21403R, W22330R.
Identifiers: ClinVar variation 518899 (VCV000518899.6), dbSNP rs373717147, ClinGen allele CA1990568.